The following is an entry in ClinVar:

ClinVar aggregate classification (germline): Pathogenic (1 of 4 stars; one submission).

Conditions:
Tay-Sachs disease (TSD). Also called: HEXA DEFICIENCY; HEXA Disorders; GM2 gangliosidosis, type 1; Hexosaminidase alpha-subunit deficiency (variant B); Sphingolipidosis, Tay-Sachs; Hexosaminidase A Deficiency. Identifiers: Orphanet 845, MedGen C0039373, MONDO:0010100, OMIM 272800.

Submission:

Labcorp Genetics (formerly Invitae), Labcorp
Classification: Pathogenic for Tay-Sachs disease. Last evaluated: 2023-01-26. Review status: criteria provided, single submitter. Criteria: Invitae Variant Classification Sherloc (09022015). Collection method: clinical testing. Allele origin: unknown.
Comment: For these reasons, this variant has been classified as Pathogenic. This variant disrupts a region of the HEXA protein in which other variant(s) (p.Arg510*) have been determined to be pathogenic (PMID: 21567908, 22789865, 27896118). This suggests that this is a clinically significant region of the protein, and that variants that disrupt it are likely to be disease-causing. This variant has not been reported in the literature in individuals affected with HEXA-related conditions. This variant is a gross deletion of the genomic region encompassing exon(s) 13-14 of the HEXA gene, which includes the termination codon. This deletion extends beyond the assayed region for this gene and therefore may encompass additional genes. While this deletion is not anticipated to lead to nonsense mediated decay, it is expected to alter mRNA translation or result in a truncated protein product.

Literature cited by the submitters: PubMed 21567908; PubMed 22789865; PubMed 27896118.

NC_000015.9:g.(?_72636418)_(72637911_?)del

Gene: HEXA (hexosaminidase subunit alpha; minus strand). Cytogenetic location: 15q23.
Variant type: Deletion.
Identifiers: ClinVar variation 3243746 (VCV003243746.1).